The following is an entry in ClinVar:

ClinVar aggregate classification (germline): Pathogenic (1 of 4 stars; one submission).

Conditions:
Ehlers-Danlos syndrome, dermatosparaxis type. Also called: EDS VIIC; Dermatosparaxis; Ehlers-Danlos syndrome, type VII, autosomal recessive. Identifiers: Orphanet 1901, MedGen C2700425, MONDO:0009161, OMIM 225410.

Submission:

Myriad Genetics, Inc.
Classification: Pathogenic for Ehlers-Danlos syndrome, dermatosparaxis type. Last evaluated: 2024-05-14. Review status: criteria provided, single submitter. Criteria: Myriad Autosomal Dominant, Autosomal Recessive and X-Linked Classification Criteria (2023). Collection method: clinical testing. Allele origin: unknown.
Comment: NM_014244.4(ADAMTS2):c.89_91del3ins10(P30Rfs*38) is expected to be pathogenic in the context of Ehlers-Danlos syndrome, ADAMTS2-related. This variant is predicted to lead to an abnormal or absent protein product due to the creation of a premature termination codon in ADAMTS2, a gene where loss-of-function variants are known to be pathogenic. Please note: this variant was assessed in the context of healthy population screening.

NM_014244.5(ADAMTS2):c.89_91delinsGGCAGAGAAG (p.Pro30fs)

Gene: ADAMTS2 (ADAM metallopeptidase with thrombospondin type 1 motif 2; minus strand). Cytogenetic location: 5q35.3.
Variant type: Indel.
Coding change: c.89_91delinsGGCAGAGAAG on transcript NM_014244.5 (MANE Select); coding-DNA positions 89 to 91, CGC replaced by GGCAGAGAAG.
Protein change: p.Pro30fs; shifts the reading frame from proline 30.
Molecular consequence: frameshift variant.
Genome position (GRCh38, 1-based): chr5:179,345,238-179,345,240, GCG replaced by CTTCTCTGCC on the plus strand (CGC replaced by GGCAGAGAAG on the coding strand, the reverse complement: ADAMTS2 is on the minus strand). VCF-style: chr5-179345238-GCG-CTTCTCTGCC. GRCh37 (hg19) VCF-style: chr5-178772239-GCG-CTTCTCTGCC.
Other names: c.89_91delinsGGCAGAGAAG, p.Pro30fs (NM_021599.4); short protein forms P30fs.
Identifiers: ClinVar variation 5010606 (VCV005010606.1).